The following is an entry in ClinVar:

ClinVar aggregate classification (germline): Uncertain significance (1 of 4 stars; one submission).

Conditions:
Alstrom syndrome (ALMS). Identifiers: Orphanet 64, MedGen C0268425, MONDO:0008763, OMIM 203800.

gnomAD v4.1: 9 of 1,614,192 alleles (0.00056%); highest among the groups gnomAD compares: Middle Eastern, 0.016%; no homozygotes.

Submission:

Labcorp Genetics (formerly Invitae), Labcorp
Classification: Uncertain significance for Alstrom syndrome. Last evaluated: 2024-05-21. Review status: criteria provided, single submitter. Criteria: Invitae Variant Classification Sherloc (09022015). Collection method: clinical testing. Allele origin: germline.
Comment: This sequence change replaces histidine, which is basic and polar, with arginine, which is basic and polar, at codon 3049 of the ALMS1 protein (p.His3049Arg). This variant is present in population databases (no rsID available, gnomAD 0.0009%). This variant has not been reported in the literature in individuals affected with ALMS1-related conditions. Experimental studies and prediction algorithms are not available or were not evaluated, and the functional significance of this variant is currently unknown. In summary, the available evidence is currently insufficient to determine the role of this variant in disease. Therefore, it has been classified as a Variant of Uncertain Significance.

NM_001378454.1(ALMS1):c.9143A>G (p.His3048Arg)

Gene: ALMS1 (ALMS1 centrosome and basal body associated protein; plus strand). Cytogenetic location: 2p13.1.
Variant type: single nucleotide variant.
Coding change: c.9143A>G on transcript NM_001378454.1 (MANE Select); coding-DNA position 9143, A replaced by G.
Protein change: p.His3048Arg; replaces histidine 3048 with arginine.
Molecular consequence: missense variant.
Genome position (GRCh38, 1-based): chr2:73,491,102, A>G. VCF-style: chr2-73491102-A-G. GRCh37 (hg19) VCF-style: chr2-73718229-A-G.
Other names: c.9146A>G, p.His3049Arg (NM_015120.4); short protein forms H3048R, H3049R.
Identifiers: ClinVar variation 3717501 (VCV003717501.2).